The following is an entry in ClinVar:

ClinVar aggregate classification (germline): Uncertain significance (1 of 4 stars; one submission).

Conditions:
Hereditary cancer-predisposing syndrome. Also called: Hereditary Cancer Syndrome; Neoplastic Syndromes, Hereditary; Tumor predisposition; Hereditary neoplastic syndrome. Identifiers: Orphanet 140162, MedGen C0027672, MeSH D009386, MONDO:0015356.

Allele frequency attached by ClinVar (database versions not stated): gnomAD exomes below 0.00001; ExAC 0.00001.
gnomAD v4.1: 1 of 1,603,308 alleles (0.000062%); highest among the groups gnomAD compares: Non-Finnish European, 0.000085%; no homozygotes.

Submission:

Ambry Genetics
Classification: Uncertain significance for Hereditary cancer-predisposing syndrome. Last evaluated: 2019-08-29. Review status: criteria provided, single submitter. Criteria: Ambry Variant Classification Scheme 2023. Collection method: clinical testing. Allele origin: germline.
Comment: The p.W284C variant (also known as c.852G>T), located in coding exon 4 of the SMARCA4 gene, results from a G to T substitution at nucleotide position 852. The tryptophan at codon 284 is replaced by cysteine, an amino acid with highly dissimilar properties. This amino acid position is highly conserved in available vertebrate species. In addition, the in silico prediction for this alteration is inconclusive. Since supporting evidence is limited at this time, the clinical significance of this alteration remains unclear.

NM_003072.5(SMARCA4):c.852G>T (p.Trp284Cys)

Gene: SMARCA4 (SWI/SNF related BAF chromatin remodeling complex subunit ATPase 4; plus strand). Cytogenetic location: 19p13.2.
Variant type: single nucleotide variant.
Coding change: c.852G>T on transcript NM_003072.5 (MANE Select); coding-DNA position 852, G replaced by T.
Protein change: p.Trp284Cys; replaces tryptophan 284 with cysteine.
Molecular consequence: missense variant. On other transcripts: non-coding transcript variant (1).
Genome position (GRCh38, 1-based): chr19:10,986,996, G>T. VCF-style: chr19-10986996-G-T. GRCh37 (hg19) VCF-style: chr19-11097672-G-T.
Other names: c.852G>T, p.Trp284Cys (NM_001128844.3, NM_001128845.2, NM_001128846.2 and 5 more transcripts); short protein forms W284C.
Identifiers: ClinVar variation 480660 (VCV000480660.5), dbSNP rs761071237, ClinGen allele CA9203592.